The following is an entry in ClinVar:

NM_001267550.2(TTN):c.65615del (p.Leu21872fs)

Genes: TTN-AS1 (TTN antisense RNA 1; plus strand), TTN (titin; minus strand). Cytogenetic location: 2q31.2.
Variant type: Deletion.
Coding change: c.65615del on transcript NM_001267550.2 (MANE Select); coding-DNA position 65615, one base deleted (T; older notation c.65615delT).
Protein change: p.Leu21872fs; shifts the reading frame from leucine 21872.
Molecular consequence: frameshift variant.
Genome position (GRCh38, 1-based): chr2:178,583,188, A deleted on the plus strand (T on the coding strand, the reverse complement: TTN is on the minus strand); the first of 3 consecutive A bases (chr2:178,583,188-178,583,190); deleting any one gives the same sequence. VCF-style (leftmost placement, unchanged base first): chr2-178583187-CA-C. GRCh37 (hg19) VCF-style: chr2-179447914-CA-C.
Other names: c.60692del, p.Leu20231fs (NM_001256850.1); c.38420del, p.Leu12807fs (NM_003319.4); c.57911del, p.Leu19304fs (NM_133378.4); c.38795del, p.Leu12932fs (NM_133432.3); c.38996del, p.Leu12999fs (NM_133437.4); short protein forms L12807fs, L12932fs, L12999fs, L19304fs, L20231fs, L21872fs.
Identifiers: ClinVar variation 3760436 (VCV003760436.2).
Genomic context (GRCh38, chr2:178,583,187, plus strand): 5'-CATCGGTTTACCAAAAACAGTAGCATCCAAGCAGACATTAGTTCCAGCTTTCACAGTAAG[CA>C]AAGATTTCATAGCCACACTCAGGTCTATCCTGGGAGGGACTGGAAAGAAATAAGATAAAG-3'

ClinVar aggregate classification (germline): Likely pathogenic (1 of 4 stars; one submission).

Conditions:
Autosomal recessive limb-girdle muscular dystrophy type 2J (LGMDR10). Also called: Limb-girdle muscular dystrophy, type 2J; MUSCULAR DYSTROPHY, LIMB-GIRDLE, AUTOSOMAL RECESSIVE 10. Identifiers: Orphanet 140922, MedGen C1837342, MONDO:0012127, OMIM 608807.
Dilated cardiomyopathy 1G (CMD1G). Identifiers: Orphanet 154, MedGen C1858763, MONDO:0011400, OMIM 604145.

Submission:

Labcorp Genetics (formerly Invitae), Labcorp
Classification: Likely pathogenic for Dilated cardiomyopathy 1G; Autosomal recessive limb-girdle muscular dystrophy type 2J. Last evaluated: 2025-01-26. Review status: criteria provided, single submitter. Criteria: Invitae Variant Classification Sherloc (09022015). Collection method: clinical testing. Allele origin: germline.
Comment: This sequence change creates a premature translational stop signal (p.Leu21872Cysfs*4) in the TTN gene. While this is not anticipated to result in nonsense mediated decay, it is expected to create a truncated TTN protein. This variant is not present in population databases (gnomAD no frequency). This variant has not been reported in the literature in individuals affected with TTN-related conditions. This variant is located in the A band of TTN (PMID: 25589632). Truncating variants in this region are significantly overrepresented in patients affected with dilated cardiomyopathy (PMID: 25589632). Truncating variants in this region have also been reported in individuals affected with autosomal recessive centronuclear myopathy (PMID: 23975875). In summary, the currently available evidence indicates that the variant is pathogenic, but additional data are needed to prove that conclusively. Therefore, this variant has been classified as Likely Pathogenic.

Literature cited by the submitters: PubMed 25589632; PubMed 23975875.